The following is an entry in ClinVar:

NM_001940.4(ATN1):c.2475_2492dup (p.Glu834_Leu835insArgGluLysGluArgGlu)

Gene: ATN1 (atrophin 1; plus strand). Cytogenetic location: 12p13.31.
Variant type: Duplication.
Coding change: c.2475_2492dup on transcript NM_001940.4 (MANE Select); coding-DNA positions 2475 to 2492, 18 bases duplicated (AGAGCGCGAGCGCGAGAA).
Protein change: p.Glu834_Leu835insArgGluLysGluArgGlu.
Molecular consequence: inframe insertion.
Genome position (GRCh38, 1-based): chr12:6,938,025-6,938,042, AGAGCGCGAGCGCGAGAA duplicated; duplicating any 18 consecutive bases within chr12:6,938,017-6,938,042 gives the same sequence; the c. name uses the placement nearest the transcript's 3' end. VCF-style (leftmost placement, unchanged base first): chr12-6938016-A-ACGCGAGAAAGAGCGCGAG. GRCh37 (hg19) VCF-style: chr12-7047179-A-ACGCGAGAAAGAGCGCGAG.
Other names: c.2475_2492dup, p.Glu834_Leu835insArgGluLysGluArgGlu (NM_001007026.2, NM_001424176.1, NM_001424177.1 and 1 more transcripts); c.2472_2489dup, p.Glu833_Leu834insArgGluLysGluArgGlu (NM_001424179.1, NM_001424180.1); c.2451_2468dup, p.Glu826_Leu827insArgGluLysGluArgGlu (NM_001424182.1).
Identifiers: ClinVar variation 3902945 (VCV003902945.1).

ClinVar aggregate classification (germline): Uncertain significance (1 of 4 stars; one submission).

Submission:

GeneDx
Classification: Uncertain significance. Last evaluated: 2024-12-13. Review status: criteria provided, single submitter. Criteria: GeneDx Variant Classification Process June 2021. Collection method: clinical testing. Allele origin: germline. Affected: yes.
Comment: In-frame duplication of 6 amino acid(s) in a non-repeat region; Has not been previously published as pathogenic or benign to our knowledge